The following is an entry in ClinVar:

ClinVar aggregate classification (germline): Uncertain significance. Review status: criteria provided, multiple submitters, no conflicts (2 of 4 stars). 4 submissions from 4 submitters: Uncertain significance (3). 1 of the submissions does not count toward it. Last evaluated 2025-06-08.

Conditions:
Inborn genetic diseases. Identifiers: MedGen C0950123, MeSH D030342.
Bardet-Biedl syndrome (BBS). Identifiers: Orphanet 110, MedGen C0752166, MONDO:0015229.
Bardet-Biedl syndrome 10 (BBS10). Identifiers: Orphanet 110, MedGen C1859568, MONDO:0014438, OMIM 615987.

gnomAD v4.1: 6 of 1,611,116 alleles (0.00037%); highest among the groups gnomAD compares: Non-Finnish European, 0.00051%; no homozygotes.

Submissions (4):

Ambry Genetics
Classification: Uncertain significance for Inborn genetic diseases. Last evaluated: 2025-06-08. Review status: criteria provided, single submitter. Criteria: Ambry Variant Classification Scheme 2023. Collection method: clinical testing. Allele origin: germline.

Fulgent Genetics
Classification: Uncertain significance for Bardet-Biedl syndrome 10. Last evaluated: 2024-04-07. Review status: criteria provided, single submitter. Criteria: ACMG Guidelines, 2015. Collection method: clinical testing. Allele origin: germline.

Labcorp Genetics (formerly Invitae), Labcorp
Classification: Uncertain significance for Bardet-Biedl syndrome. Last evaluated: 2022-07-07. Review status: criteria provided, single submitter. Criteria: Invitae Variant Classification Sherloc (09022015). Collection method: clinical testing. Allele origin: germline.
Comment: This sequence change replaces glutamic acid, which is acidic and polar, with glutamine, which is neutral and polar, at codon 19 of the BBS10 protein (p.Glu19Gln). This variant is not present in population databases (gnomAD no frequency). This variant has not been reported in the literature in individuals affected with BBS10-related conditions. ClinVar contains an entry for this variant (Variation ID: 462956). Algorithms developed to predict the effect of missense changes on protein structure and function output the following: SIFT: "Tolerated"; PolyPhen-2: "Benign"; Align-GVGD: "Class C0". The glutamine amino acid residue is found in multiple mammalian species, which suggests that this missense change does not adversely affect protein function. In summary, the available evidence is currently insufficient to determine the role of this variant in disease. Therefore, it has been classified as a Variant of Uncertain Significance.

Natera, Inc.
Classification: Uncertain significance for Bardet-Biedl syndrome type 10. Last evaluated: 2021-02-22. Review status: no assertion criteria provided. Collection method: clinical testing. Allele origin: germline. Not counted in ClinVar's aggregate classification.

NM_024685.4(BBS10):c.55G>C (p.Glu19Gln)

Gene: BBS10 (Bardet-Biedl syndrome 10; minus strand). Cytogenetic location: 12q21.2.
Variant type: single nucleotide variant.
Coding change: c.55G>C on transcript NM_024685.4 (MANE Select); coding-DNA position 55, G replaced by C.
Protein change: p.Glu19Gln; replaces glutamic acid 19 with glutamine.
Molecular consequence: missense variant.
Genome position (GRCh38, 1-based): chr12:76,348,304, C>G on the plus strand (G>C on the coding strand, the complement: BBS10 is on the minus strand). VCF-style: chr12-76348304-C-G. GRCh37 (hg19) VCF-style: chr12-76742084-C-G.
Other names: c.55G>C, p.Glu19Gln (LRG_1255t1); short protein forms E19Q.
Identifiers: ClinVar variation 462956 (VCV000462956.9), dbSNP rs1001512051, ClinGen allele CA385816339.
Genomic context (GRCh38, chr12:76,348,304, plus strand): 5'-TACACAAAACTTGCCGTCCCTCGGGCCCCACGCAGCAGCTCACGATGGCTTCCAGCACCT[C>G]GGCCACCTGCAACGCCGCCTTCACAGACCCTGCAGCGGCCATAGAACTTAACATATCTGG-3'
Protein context (NP_078961.3, residues 9-29): GSVKAALQVA[Glu19Gln]VLEAIVSCCV